The following is an entry in ClinVar:

ClinVar aggregate classification (germline): Pathogenic (1 of 4 stars; one submission).

Submission:

Labcorp Genetics (formerly Invitae), Labcorp
Classification: Pathogenic. Last evaluated: 2018-01-12. Review status: criteria provided, single submitter. Criteria: Invitae Variant Classification Sherloc (09022015). Collection method: clinical testing. Allele origin: germline.
Comment: This sequence change creates a premature translational stop signal (p.Val1477Cysfs*12) in the PIKFYVE gene. It is expected to result in an absent or disrupted protein product. This variant is not present in population databases (ExAC no frequency). This variant has not been reported in the literature in individuals with PIKFYVE-related disease. Loss-of-function variants in PIKFYVE are known to be pathogenic (PMID: 15902656, 23288988, 26396486). For these reasons, this variant has been classified as Pathogenic.

Literature cited by the submitters: PubMed 15902656; PubMed 23288988; PubMed 26396486.

NM_015040.4(PIKFYVE):c.4428dup (p.Val1477fs)

Gene: PIKFYVE (phosphoinositide kinase, FYVE-type zinc finger containing; plus strand). Cytogenetic location: 2q34.
Variant type: Duplication.
Coding change: c.4428dup on transcript NM_015040.4 (MANE Select); coding-DNA position 4428, one base duplicated (T; older notation c.4428dupT).
Protein change: p.Val1477fs; shifts the reading frame from valine 1477.
Molecular consequence: frameshift variant.
Genome position (GRCh38, 1-based): chr2:208,336,108, T duplicated. VCF-style (leftmost placement, unchanged base first): chr2-208336107-C-CT. GRCh37 (hg19) VCF-style: chr2-209200831-C-CT.
Other names: short protein forms V1477fs.
Identifiers: ClinVar variation 1072717 (VCV001072717.2), dbSNP rs2125682287, ClinGen allele CA2499215579.